The following is an entry in ClinVar:

ClinVar aggregate classification (germline): Likely pathogenic (1 of 4 stars; one submission).

Conditions:
Dilated cardiomyopathy 1G (CMD1G). Identifiers: Orphanet 154, MedGen C1858763, MONDO:0011400, OMIM 604145.
Autosomal recessive limb-girdle muscular dystrophy type 2J (LGMDR10). Also called: MUSCULAR DYSTROPHY, LIMB-GIRDLE, AUTOSOMAL RECESSIVE 10; Limb-girdle muscular dystrophy, type 2J. Identifiers: Orphanet 140922, MedGen C1837342, MONDO:0012127, OMIM 608807.

Submission:

Labcorp Genetics (formerly Invitae), Labcorp
Classification: Likely pathogenic for Dilated cardiomyopathy 1G; Autosomal recessive limb-girdle muscular dystrophy type 2J. Last evaluated: 2024-01-09. Review status: criteria provided, single submitter. Criteria: Invitae Variant Classification Sherloc (09022015). Collection method: clinical testing. Allele origin: germline.
Comment: This sequence change creates a premature translational stop signal (p.Lys18830Argfs*21) in the TTN gene. While this is not anticipated to result in nonsense mediated decay, it is expected to create a truncated TTN protein. This variant is not present in population databases (gnomAD no frequency). This variant has not been reported in the literature in individuals affected with TTN-related conditions. This variant is located in the A band of TTN (PMID: 25589632). Truncating variants in this region are significantly overrepresented in patients affected with dilated cardiomyopathy (PMID: 25589632). Truncating variants in this region have also been reported in individuals affected with autosomal recessive centronuclear myopathy (PMID: 23975875). In summary, the currently available evidence indicates that the variant is pathogenic, but additional data are needed to prove that conclusively. Therefore, this variant has been classified as Likely Pathogenic.

Literature cited by the submitters: PubMed 25589632; PubMed 23975875.

NM_001267550.2(TTN):c.56487del (p.Lys18830fs)

Genes: TTN-AS1 (TTN antisense RNA 1; plus strand), TTN (titin; minus strand). Cytogenetic location: 2q31.2.
Variant type: Deletion.
Coding change: c.56487del on transcript NM_001267550.2 (MANE Select); coding-DNA position 56487, one base deleted (G; older notation c.56487delG).
Protein change: p.Lys18830fs; shifts the reading frame from lysine 18830.
Molecular consequence: frameshift variant.
Genome position (GRCh38, 1-based): chr2:178,599,306, C deleted on the plus strand (G on the coding strand, the reverse complement: TTN is on the minus strand); the first of 2 consecutive C bases (chr2:178,599,306-178,599,307); deleting either gives the same sequence. VCF-style (leftmost placement, unchanged base first): chr2-178599305-TC-T. GRCh37 (hg19) VCF-style: chr2-179464032-TC-T.
Other names: c.51564del, p.Lys17189fs (NM_001256850.1); c.29292del, p.Lys9765fs (NM_003319.4); c.48783del, p.Lys16262fs (NM_133378.4); c.29667del, p.Lys9890fs (NM_133432.3); c.29868del, p.Lys9957fs (NM_133437.4); short protein forms K9765fs, K18830fs, K9957fs, K17189fs, K16262fs, K9890fs.
Identifiers: ClinVar variation 2943659 (VCV002943659.3), dbSNP rs2469887657, ClinGen allele CA2740096083.